The following is an entry in ClinVar:

ClinVar aggregate classification (germline): Conflicting classifications of pathogenicity. Review status: criteria provided, conflicting classifications (1 of 4 stars). 4 submissions from 4 submitters: Uncertain significance (2); Likely benign (2). Last evaluated 2025-02-05.

Conditions:
Hereditary cancer-predisposing syndrome. Also called: Neoplastic Syndromes, Hereditary; Tumor predisposition; Hereditary Cancer Syndrome; Hereditary neoplastic syndrome. Identifiers: Orphanet 140162, MedGen C0027672, MeSH D009386, MONDO:0015356.
Tuberous sclerosis 1 (TSC1). Identifiers: Orphanet 805, MedGen C1854465, MONDO:0008612, OMIM 191100.
Tuberous sclerosis syndrome (TSC). Also called: Tuberous Sclerosis Complex; Tuberous sclerosis. Identifiers: Orphanet 805, MedGen C0041341, MONDO:0001734.

Allele frequency attached by ClinVar (database versions not stated): gnomAD exomes below 0.00001; ExAC 0.00001.
gnomAD v4.1: 3 of 1,613,980 alleles (0.00019%); highest among the groups gnomAD compares: Non-Finnish European, 0.00025%; no homozygotes.

Submissions (4):

Labcorp Genetics (formerly Invitae), Labcorp
Classification: Likely benign for Tuberous sclerosis 1. Last evaluated: 2025-02-05. Review status: criteria provided, single submitter. Criteria: Invitae Variant Classification Sherloc (09022015). Collection method: clinical testing. Allele origin: germline.

Color Diagnostics, LLC DBA Color Health
Classification: Uncertain significance for Tuberous sclerosis syndrome. Last evaluated: 2024-03-07. Review status: criteria provided, single submitter. Criteria: ACMG Guidelines, 2015. Collection method: clinical testing. Allele origin: germline.
Comment: This missense variant replaces proline with leucine at codon 447 of the TSC1 protein. Computational prediction suggests that this variant may not impact protein structure and function. To our knowledge, functional studies have not been reported for this variant. This variant has not been reported in individuals affected with TSC1-related disorders in the literature. This variant has been identified in 1/251050 chromosomes in the general population by the Genome Aggregation Database (gnomAD). The available evidence is insufficient to determine the role of this variant in disease conclusively. Therefore, this variant is classified as a Variant of Uncertain Significance.

All of Us Research Program, National Institutes of Health
Classification: Uncertain significance for Tuberous sclerosis syndrome. Last evaluated: 2023-12-01. Review status: criteria provided, single submitter. Criteria: ACMG Guidelines, 2015. Collection method: clinical testing. Allele origin: germline. Inheritance: Autosomal dominant inheritance. Observed: 3 variant alleles, 3 heterozygotes.
Comment: This missense variant replaces proline with leucine at codon 447 of the TSC1 protein. Computational prediction suggests that this variant may not impact protein structure and function (internally defined REVEL score threshold <= 0.5, PMID: 27666373). To our knowledge, functional studies have not been reported for this variant. This variant has not been reported in individuals affected with TSC1-related disorders in the literature. This variant has been identified in 1/251050 chromosomes in the general population by the Genome Aggregation Database (gnomAD). The available evidence is insufficient to determine the role of this variant in disease conclusively. Therefore, this variant is classified as a Variant of Uncertain Significance.

This study involves interpretation of variants in research participants for the purpose of population health screening. Participant phenotype was not available at the time of variant classification. Additional details can be found in publication PMID: 35346344, PMCID: PMC8962531

Ambry Genetics
Classification: Likely benign for Hereditary cancer-predisposing syndrome. Last evaluated: 2015-07-23. Review status: criteria provided, single submitter. Criteria: Ambry Variant Classification Scheme 2023. Collection method: clinical testing. Allele origin: germline.

NM_000368.5(TSC1):c.1340C>T (p.Pro447Leu)

Gene: TSC1 (TSC complex subunit 1; minus strand). Cytogenetic location: 9q34.13.
Variant type: single nucleotide variant.
Coding change: c.1340C>T on transcript NM_000368.5 (MANE Select); coding-DNA position 1340, C replaced by T.
Protein change: p.Pro447Leu; replaces proline 447 with leucine.
Molecular consequence: missense variant.
Genome position (GRCh38, 1-based): chr9:132,906,829, G>A on the plus strand (C>T on the coding strand, the complement: TSC1 is on the minus strand). VCF-style: chr9-132906829-G-A. GRCh37 (hg19) VCF-style: chr9-135782216-G-A.
Other names: c.1337C>T, p.Pro446Leu (NM_001162426.2); c.1187C>T, p.Pro396Leu (NM_001162427.2); c.977C>T, p.Pro326Leu (NM_001362177.2); short protein forms P447L, P396L, P326L, P446L.
Identifiers: ClinVar variation 566043 (VCV000566043.15), dbSNP rs772868048, ClinGen allele CA028393.